The following is an entry in ClinVar:

NM_002878.4(RAD51D):c.54G>C (p.Gln18His)

Genes: RAD51L3-RFFL (RAD51L3-RFFL readthrough; minus strand), RAD51D (RAD51 paralog D; minus strand). Cytogenetic location: 17q12.
Variant type: single nucleotide variant.
Coding change: c.54G>C on transcript NM_002878.4 (MANE Select); coding-DNA position 54, G replaced by C.
Protein change: p.Gln18His; replaces glutamine 18 with histidine.
Molecular consequence: missense variant. On other transcripts: non-coding transcript variant (2).
Genome position (GRCh38, 1-based): chr17:35,119,560, C>G on the plus strand (G>C on the coding strand, the complement: RAD51D is on the minus strand). VCF-style: chr17-35119560-C-G. GRCh37 (hg19) VCF-style: chr17-33446579-C-G.
Other names: c.54G>C, p.Gln18His (NM_001142571.2, NM_133629.3); short protein forms Q18H.
Identifiers: ClinVar variation 1747960 (VCV001747960.2), dbSNP rs1331918329, ClinGen allele CA399092389.

ClinVar aggregate classification (germline): Uncertain significance (1 of 4 stars; one submission).

Conditions:
Hereditary cancer-predisposing syndrome. Also called: Hereditary Cancer Syndrome; Hereditary neoplastic syndrome; Neoplastic Syndromes, Hereditary; Tumor predisposition. Identifiers: Orphanet 140162, MedGen C0027672, MeSH D009386, MONDO:0015356.

Submission:

Ambry Genetics
Classification: Uncertain significance for Hereditary cancer-predisposing syndrome. Last evaluated: 2022-09-01. Review status: criteria provided, single submitter. Criteria: Ambry Variant Classification Scheme 2023. Collection method: clinical testing. Allele origin: germline.
Comment: The p.Q18H variant (also known as c.54G>C), located in coding exon 1 of the RAD51D gene, results from a G to C substitution at nucleotide position 54. The glutamine at codon 18 is replaced by histidine, an amino acid with highly similar properties. This amino acid position is conserved. In addition, this alteration is predicted to be tolerated by in silico analysis. Since supporting evidence is limited at this time, the clinical significance of this alteration remains unclear.